The following is an entry in ClinVar:

NM_024642.5(GALNT12):c.322A>C (p.Ser108Arg)

Gene: GALNT12 (polypeptide N-acetylgalactosaminyltransferase 12; plus strand). Cytogenetic location: 9q22.33.
Variant type: single nucleotide variant.
Coding change: c.322A>C on transcript NM_024642.5 (MANE Select); coding-DNA position 322, A replaced by C.
Protein change: p.Ser108Arg; replaces serine 108 with arginine.
Molecular consequence: missense variant.
Genome position (GRCh38, 1-based): chr9:98,808,020, A>C. VCF-style: chr9-98808020-A-C. GRCh37 (hg19) VCF-style: chr9-101570302-A-C.
Other names: short protein forms S108R.
Identifiers: ClinVar variation 1729155 (VCV001729155.3), dbSNP rs1332042794, ClinGen allele CA374222938.

ClinVar aggregate classification (germline): Uncertain significance (1 of 4 stars; one submission).

Submission:

Ambry Genetics
Classification: Uncertain significance. Last evaluated: 2024-12-20. Review status: criteria provided, single submitter. Criteria: Ambry Variant Classification Scheme 2023. Collection method: clinical testing. Allele origin: germline.
Comment: The p.S108R variant (also known as c.322A>C), located in coding exon 1 of the GALNT12 gene, results from an A to C substitution at nucleotide position 322. The serine at codon 108 is replaced by arginine, an amino acid with dissimilar properties. This amino acid position is conserved. In addition, this alteration is predicted to be deleterious by in silico analysis. Since supporting evidence is limited at this time, the clinical significance of this alteration remains unclear.